The following is an entry in ClinVar:

ClinVar aggregate classification (germline): Uncertain significance (1 of 4 stars; one submission).

Allele frequency attached by ClinVar (database versions not stated): gnomAD exomes below 0.00001; TOPMed below 0.00001.

Submission:

Labcorp Genetics (formerly Invitae), Labcorp
Classification: Uncertain significance. Last evaluated: 2021-12-21. Review status: criteria provided, single submitter. Criteria: Invitae Variant Classification Sherloc (09022015). Collection method: clinical testing. Allele origin: germline.
Comment: In summary, the available evidence is currently insufficient to determine the role of this variant in disease. Therefore, it has been classified as a Variant of Uncertain Significance. Algorithms developed to predict the effect of missense changes on protein structure and function are either unavailable or do not agree on the potential impact of this missense change (SIFT: "Deleterious"; PolyPhen-2: "Probably Damaging"; Align-GVGD: "Class C0"). This variant has not been reported in the literature in individuals affected with ERBB4-related conditions. This variant is not present in population databases (gnomAD no frequency). This sequence change replaces arginine, which is basic and polar, with histidine, which is basic and polar, at codon 306 of the ERBB4 protein (p.Arg306His).

NM_005235.3(ERBB4):c.917G>A (p.Arg306His)

Gene: ERBB4 (erb-b2 receptor tyrosine kinase 4; minus strand). Cytogenetic location: 2q34.
Variant type: single nucleotide variant.
Coding change: c.917G>A on transcript NM_005235.3 (MANE Select); coding-DNA position 917, G replaced by A.
Protein change: p.Arg306His; replaces arginine 306 with histidine.
Molecular consequence: missense variant.
Genome position (GRCh38, 1-based): chr2:211,713,615, C>T on the plus strand (G>A on the coding strand, the complement: ERBB4 is on the minus strand). VCF-style: chr2-211713615-C-T. GRCh37 (hg19) VCF-style: chr2-212578340-C-T.
Other names: c.917G>A, p.Arg306His (NM_001042599.2); short protein forms R306H.
Identifiers: ClinVar variation 2051734 (VCV002051734.4), dbSNP rs1448870993, ClinGen allele CA350443799.